The following is an entry in ClinVar:

NM_134444.5(NLRP4):c.583G>C (p.Glu195Gln)

Gene: NLRP4 (NLR family pyrin domain containing 4; plus strand). Cytogenetic location: 19q13.43.
Variant type: single nucleotide variant.
Coding change: c.583G>C on transcript NM_134444.5 (MANE Select); coding-DNA position 583, G replaced by C.
Protein change: p.Glu195Gln; replaces glutamic acid 195 with glutamine.
Molecular consequence: missense variant.
Genome position (GRCh38, 1-based): chr19:55,857,976, G>C. VCF-style: chr19-55857976-G-C. GRCh37 (hg19) VCF-style: chr19-56369342-G-C.
Other names: short protein forms E195Q.
Identifiers: ClinVar variation 103228 (VCV000103228.2), dbSNP rs199475746, ClinGen allele CA230284.
Genomic context (GRCh38, chr19:55,857,976, plus strand): 5'-AACAAGATCTTTCGGGATAGGTTCCTGTACACGTTCTATTTCTGCTGCAGAGAACTGAGG[G>C]AGTTGCCGCCAACGAGTTTGGCTGACTTGATTTCCAGAGAGTGGCCTGACCCCGCTGCTC-3'
Protein context (NP_604393.2, residues 185-205): TFYFCCRELR[Glu195Gln]LPPTSLADLI

ClinVar aggregate classification (germline): not provided (0 of 4 stars; one submission).

gnomAD v4.1: 3 of 1,614,104 alleles (0.00019%); highest among the groups gnomAD compares: African/African-American, 0.0027%; no homozygotes.

Submission:

Human Evolutionary Genetics, Institut Pasteur
No classification provided. Review status: no classification provided. Collection method: not provided. Allele origin: germline.
ClinVar note: Converted during submission from untested to not provided.